The following is an entry in ClinVar:

ClinVar aggregate classification (germline): Conflicting classifications of pathogenicity. Review status: criteria provided, conflicting classifications (1 of 4 stars). 4 submissions from 4 submitters: Uncertain significance (3); Likely benign (1). Last evaluated 2025-01-23.

Conditions:
Von Hippel-Lindau syndrome (VHLS). Also called: Von Hippel-Lindau; VHL syndrome; von Hippel–Lindau syndrome. Identifiers: Orphanet 892, MedGen C0019562, MONDO:0008667, OMIM 193300. Disease mechanism: loss of function.
Chuvash polycythemia. Also called: POLYCYTHEMIA, VHL-DEPENDENT. Identifiers: Orphanet 238557, MedGen C1837915, MONDO:0009892, OMIM 263400.
Hereditary cancer-predisposing syndrome. Also called: Hereditary neoplastic syndrome; Neoplastic Syndromes, Hereditary; Tumor predisposition; Hereditary Cancer Syndrome. Identifiers: Orphanet 140162, MedGen C0027672, MeSH D009386, MONDO:0015356.

Allele frequency attached by ClinVar (database versions not stated): gnomAD exomes below 0.00001.

Submissions (4):

Ambry Genetics
Classification: Likely benign for Hereditary cancer-predisposing syndrome. Last evaluated: 2025-01-23. Review status: criteria provided, single submitter. Criteria: Ambry Variant Classification Scheme 2023. Collection method: clinical testing. Allele origin: germline.

Labcorp Genetics (formerly Invitae), Labcorp
Classification: Uncertain significance for Von Hippel-Lindau syndrome; Chuvash polycythemia. Last evaluated: 2024-06-17. Review status: criteria provided, single submitter. Criteria: Invitae Variant Classification Sherloc (09022015). Collection method: clinical testing. Allele origin: germline.
Comment: This sequence change replaces alanine, which is neutral and non-polar, with threonine, which is neutral and polar, at codon 15 of the VHL protein (p.Ala15Thr). This variant is not present in population databases (gnomAD no frequency). This variant has not been reported in the literature in individuals affected with VHL-related conditions. ClinVar contains an entry for this variant (Variation ID: 411993). Advanced modeling of protein sequence and biophysical properties (such as structural, functional, and spatial information, amino acid conservation, physicochemical variation, residue mobility, and thermodynamic stability) performed at Invitae indicates that this missense variant is not expected to disrupt VHL protein function with a negative predictive value of 95%. In summary, the available evidence is currently insufficient to determine the role of this variant in disease. Therefore, it has been classified as a Variant of Uncertain Significance.

Baylor Genetics
Classification: Uncertain significance for Chuvash polycythemia. Last evaluated: 2023-05-24. Review status: criteria provided, single submitter. Criteria: ACMG Guidelines, 2015. Collection method: clinical testing. Allele origin: unknown.

All of Us Research Program, National Institutes of Health
Classification: Uncertain significance for Von Hippel-Lindau syndrome. Last evaluated: 2023-02-24. Review status: criteria provided, single submitter. Criteria: ACMG Guidelines, 2015. Collection method: clinical testing. Allele origin: germline. Inheritance: Autosomal dominant inheritance. Observed: 1 variant allele, 1 heterozygote.
Comment: This missense variant replaces alanine with threonine at codon 15 of the VHL protein. Computational prediction suggests that this variant may not impact protein structure and function (internally defined REVEL score threshold <= 0.5, PMID: 27666373). To our knowledge, functional studies have not been reported for this variant. This variant has not been reported in individuals affected with VHL-related disorders in the literature. This variant has not been identified in the general population by the Genome Aggregation Database (gnomAD). The available evidence is insufficient to determine the role of this variant in disease conclusively. Therefore, this variant is classified as a Variant of Uncertain Significance.

This study involves interpretation of variants in research participants for the purpose of population health screening. Participant phenotype was not available at the time of variant classification. Additional details can be found in publication PMID: 35346344, PMCID: PMC8962531

NM_000551.4(VHL):c.43G>A (p.Ala15Thr)

Gene: VHL (von Hippel-Lindau tumor suppressor; plus strand). Cytogenetic location: 3p25.3.
Variant type: single nucleotide variant.
Coding change: c.43G>A on transcript NM_000551.4 (MANE Select); coding-DNA position 43, G replaced by A.
Protein change: p.Ala15Thr; replaces alanine 15 with threonine.
Molecular consequence: missense variant.
Genome position (GRCh38, 1-based): chr3:10,141,890, G>A. VCF-style: chr3-10141890-G-A. GRCh37 (hg19) VCF-style: chr3-10183574-G-A.
Other names: c.43G>A, p.Ala15Thr (NM_001354723.2, NM_198156.3); short protein forms A15T.
Identifiers: ClinVar variation 411993 (VCV000411993.14), dbSNP rs1060503568, ClinGen allele CA16611060.